The following is an entry in ClinVar:

ClinVar aggregate classification (germline): Pathogenic. Review status: criteria provided, multiple submitters, no conflicts (2 of 4 stars). 2 submissions from 2 submitters: Pathogenic (2). Last evaluated 2025-04-26.

Conditions:
Hypertrophic cardiomyopathy. Also called: HYPERTROPHIC MYOCARDIOPATHY. Identifiers: Orphanet 217569, MedGen C0007194, MeSH D002312, MONDO:0005045, HP:0001639.
Cardiomyopathy (CMYO). Also called: Cardiomyopathies. Identifiers: Orphanet 167848, MedGen C0878544, MONDO:0004994, HP:0001638. Inheritance: Various modes of inheritance.

Submissions (2):

Labcorp Genetics (formerly Invitae), Labcorp
Classification: Pathogenic for Hypertrophic cardiomyopathy. Last evaluated: 2025-04-26. Review status: criteria provided, single submitter. Criteria: Invitae Variant Classification Sherloc (09022015). Collection method: clinical testing. Allele origin: germline.
Comment: This sequence change creates a premature translational stop signal (p.Trp196*) in the MYBPC3 gene. It is expected to result in an absent or disrupted protein product. Loss-of-function variants in MYBPC3 are known to be pathogenic (PMID: 19574547). This variant is not present in population databases (gnomAD no frequency). This premature translational stop signal has been observed in individual(s) with hypertrophic cardiomyopathy (PMID: 23233322). ClinVar contains an entry for this variant (Variation ID: 919810). For these reasons, this variant has been classified as Pathogenic.

Color Diagnostics, LLC DBA Color Health
Classification: Pathogenic for Cardiomyopathy. Last evaluated: 2018-12-14. Review status: criteria provided, single submitter. Criteria: ACMG Guidelines, 2015. Collection method: clinical testing. Allele origin: germline.
Comment: This variant changes 1 nucleotide in exon 5 of the MYBPC3 gene, creating a premature translation stop signal. This variant is expected to result in an absent or non-functional protein product. To our knowledge, functional assays have not been performed for this variant. This variant has been reported in two individuals affected with hypertrophic cardiomyopathy (PMID: 23233322). This variant has not been identified in the general population by the Genome Aggregation Database (gnomAD). Loss of MYBPC3 function is a known mechanism of disease. Based on available evidence, this variant is classified as Pathogenic.

Literature cited by the submitters: PubMed 19574547 (cited by Labcorp Genetics (formerly Invitae), Labcorp); PubMed 23233322 (cited by Labcorp Genetics (formerly Invitae), Labcorp).

NM_000256.3(MYBPC3):c.587G>A (p.Trp196Ter)

Gene: MYBPC3 (myosin binding protein C3; minus strand). Cytogenetic location: 11p11.2.
Variant type: single nucleotide variant.
Coding change: c.587G>A on transcript NM_000256.3 (MANE Select); coding-DNA position 587, G replaced by A.
Protein change: p.Trp196Ter; replaces tryptophan 196 with a stop codon.
Molecular consequence: nonsense.
Genome position (GRCh38, 1-based): chr11:47,349,841, C>T on the plus strand (G>A on the coding strand, the complement: MYBPC3 is on the minus strand). VCF-style: chr11-47349841-C-T. GRCh37 (hg19) VCF-style: chr11-47371392-C-T.
Other names: short protein forms W196*.
Identifiers: ClinVar variation 919810 (VCV000919810.4), dbSNP rs2095898504, ClinGen allele CA380337686.
Genomic context (GRCh38, chr11:47,349,841, plus strand): 5'-GCGCGGTCGTAGCTGTCGTGCAGCTGCAGGTGCTGGCCCACCTTGCTGCTCAGGTCCACC[C>T]ATTTGCCCTTGAACCACTTGACCACAGGCGGCTTCAGGAGGCTGGCGCCGGCCACGCGGG-3'